The following is an entry in ClinVar:

NM_001267550.2(TTN):c.104648G>A (p.Arg34883His)

Genes: TTN (titin; minus strand), TTN-AS1 (TTN antisense RNA 1; plus strand). Cytogenetic location: 2q31.2.
Variant type: single nucleotide variant.
Coding change: c.104648G>A on transcript NM_001267550.2 (MANE Select); coding-DNA position 104648, G replaced by A.
Protein change: p.Arg34883His; replaces arginine 34883 with histidine.
Molecular consequence: missense variant.
Genome position (GRCh38, 1-based): chr2:178,531,967, C>T on the plus strand (G>A on the coding strand, the complement: TTN is on the minus strand). VCF-style: chr2-178531967-C-T. GRCh37 (hg19) VCF-style: chr2-179396694-C-T.
Other names: c.99725G>A, p.Arg33242His (NM_001256850.1); c.77453G>A, p.Arg25818His (NM_003319.4); c.96944G>A, p.Arg32315His (NM_133378.4); c.77828G>A, p.Arg25943His (NM_133432.3); c.78029G>A, p.Arg26010His (NM_133437.4); short protein forms R25818H, R25943H, R26010H, R32315H, R33242H, R34883H.
Identifiers: ClinVar variation 1023057 (VCV001023057.13), dbSNP rs368063908, ClinGen allele CA1985385.

ClinVar aggregate classification (germline): Uncertain significance. Review status: criteria provided, multiple submitters, no conflicts (2 of 4 stars). 4 submissions from 4 submitters: Uncertain significance (4). Last evaluated 2026-01-05.

Conditions:
Cardiovascular phenotype. Identifiers: MedGen CN230736.
Dilated cardiomyopathy 1G (CMD1G). Identifiers: Orphanet 154, MedGen C1858763, MONDO:0011400, OMIM 604145.
Autosomal recessive limb-girdle muscular dystrophy type 2J (LGMDR10). Also called: Limb-girdle muscular dystrophy, type 2J; MUSCULAR DYSTROPHY, LIMB-GIRDLE, AUTOSOMAL RECESSIVE 10. Identifiers: Orphanet 140922, MedGen C1837342, MONDO:0012127, OMIM 608807.
Hypertrophic cardiomyopathy 9. Also called: Familial hypertrophic cardiomyopathy 9. Identifiers: MedGen C1861065, MONDO:0013412, OMIM 613765.
Early-onset myopathy with fatal cardiomyopathy (CMYO5). Also called: CONGENITAL MYOPATHY 5 WITH CARDIOMYOPATHY; Salih Myopathy. Identifiers: Orphanet 289377, MedGen C2673677, MONDO:0012714, OMIM 611705. Disease mechanism: loss of function.
Myopathy, myofibrillar, 9, with early respiratory failure (MFM9). Also called: EDSTROM MYOPATHY; MYOPATHY, PROXIMAL, WITH EARLY RESPIRATORY MUSCLE INVOLVEMENT; Hereditary myopathy with early respiratory failure; Myopathy, distal, with early respiratory failure, autosomal dominant. Identifiers: Orphanet 178464, Orphanet 34521, MedGen C1863599, MONDO:0011362, OMIM 603689.
Tibial muscular dystrophy (TMD). Also called: Tibial muscular dystrophy, tardive; UDD MYOPATHY; Udd Distal Myopathy – Tibial Muscular Dystrophy. Identifiers: Orphanet 609, MedGen C1838244, MONDO:0010870, OMIM 600334.

Allele frequency attached by ClinVar (database versions not stated): ExAC 0.00001; gnomAD exomes 0.00001 and 0.00002; gnomAD 0.00002; TOPMed 0.00002.
gnomAD v4.1: 16 of 1,613,428 alleles (0.00099%); highest among the groups gnomAD compares: African/African-American, 0.0053%; no homozygotes.

Submissions (4):

Labcorp Genetics (formerly Invitae), Labcorp
Classification: Uncertain significance for Dilated cardiomyopathy 1G; Autosomal recessive limb-girdle muscular dystrophy type 2J. Last evaluated: 2026-01-05. Review status: criteria provided, single submitter. Criteria: Invitae Variant Classification Sherloc (09022015). Collection method: clinical testing. Allele origin: germline.
Comment: This sequence change replaces arginine, which is basic and polar, with histidine, which is basic and polar, at codon 34883 of the TTN protein (p.Arg34883His). This variant is present in population databases (rs368063908, gnomAD 0.01%). This variant has not been reported in the literature in individuals affected with TTN-related conditions. ClinVar contains an entry for this variant (Variation ID: 1023057). Experimental studies and prediction algorithms are not available or were not evaluated, and the functional significance of this variant is currently unknown. This variant is located in the M band of TTN (PMID: 25589632). Non-truncating variants in this region may be relevant for neuromuscular disorders, but have not been definitively shown to cause cardiomyopathy (PMID: 23975875). In summary, the available evidence is currently insufficient to determine the role of this variant in disease. Therefore, it has been classified as a Variant of Uncertain Significance.

Women's Health and Genetics/Laboratory Corporation of America, LabCorp
Classification: Uncertain significance. Last evaluated: 2025-11-01. Review status: criteria provided, single submitter. Criteria: LabCorp Variant Classification Summary - May 2015. Collection method: clinical testing. Allele origin: germline.

Fulgent Genetics
Classification: Uncertain significance for Tibial muscular dystrophy; Myopathy, myofibrillar, 9, with early respiratory failure; Dilated cardiomyopathy 1G; Autosomal recessive limb-girdle muscular dystrophy type 2J; Early-onset myopathy with fatal cardiomyopathy; Hypertrophic cardiomyopathy 9. Last evaluated: 2021-07-06. Review status: criteria provided, single submitter. Criteria: ACMG Guidelines, 2015. Collection method: clinical testing. Allele origin: unknown.

Ambry Genetics
Classification: Uncertain significance for Cardiovascular phenotype. Last evaluated: 2020-09-18. Review status: criteria provided, single submitter. Criteria: Ambry Variant Classification Scheme 2023. Collection method: clinical testing. Allele origin: germline.
Comment: The p.R25818H variant (also known as c.77453G>A), located in coding exon 185 of the TTN gene, results from a G to A substitution at nucleotide position 77453. The arginine at codon 25818 is replaced by histidine, an amino acid with highly similar properties. This amino acid position is highly conserved in available vertebrate species. In addition, the in silico prediction for this alteration is inconclusive. Since supporting evidence is limited at this time, the clinical significance of this alteration remains unclear.

Literature cited by the submitters: PubMed 25589632 (cited by Labcorp Genetics (formerly Invitae), Labcorp); PubMed 23975875 (cited by Labcorp Genetics (formerly Invitae), Labcorp).